The following is an entry in ClinVar:

ClinVar aggregate classification (germline): Uncertain significance (1 of 4 stars; one submission).

Conditions:
SAG-related disorder. Also called: SAG-related disorders; SAG-related condition.

gnomAD v4.1: 4 of 1,609,942 alleles (0.00025%); highest among the groups gnomAD compares: Non-Finnish European, 0.00034%; no homozygotes.

Submission:

PreventionGenetics, part of Exact Sciences
Classification: Uncertain significance for SAG-related condition. Last evaluated: 2025-10-05. Review status: criteria provided, single submitter. Criteria: ACMG Guidelines, 2015. Collection method: clinical testing. Allele origin: germline.
Comment: The SAG c.653A>G variant is predicted to result in the amino acid substitution p.Tyr218Cys. To our knowledge, this variant has not been reported in the literature. This variant is absent in a large population database (gnomAD), indicating this variant is rare. At this time, the clinical significance of this variant is uncertain due to the absence of conclusive functional and genetic evidence.

NM_000541.5(SAG):c.653A>G (p.Tyr218Cys)

Gene: SAG (S-antigen visual arrestin; plus strand). Cytogenetic location: 2q37.1.
Variant type: single nucleotide variant.
Coding change: c.653A>G on transcript NM_000541.5 (MANE Select); coding-DNA position 653, A replaced by G.
Protein change: p.Tyr218Cys; replaces tyrosine 218 with cysteine.
Molecular consequence: missense variant.
Genome position (GRCh38, 1-based): chr2:233,329,497, A>G. VCF-style: chr2-233329497-A-G. GRCh37 (hg19) VCF-style: chr2-234238143-A-G.
Other names: short protein forms Y218C.
Identifiers: ClinVar variation 4989359 (VCV004989359.1).